The following is an entry in ClinVar:

ClinVar aggregate classification (germline): Uncertain significance (1 of 4 stars; one submission).

Submission:

Labcorp Genetics (formerly Invitae), Labcorp
Classification: Uncertain significance. Last evaluated: 2025-06-12. Review status: criteria provided, single submitter. Criteria: Invitae Variant Classification Sherloc (09022015). Collection method: clinical testing. Allele origin: germline.
Comment: This sequence change replaces serine, which is neutral and polar, with tyrosine, which is neutral and polar, at codon 168 of the WFS1 protein (p.Ser168Tyr). This variant is not present in population databases (gnomAD no frequency). This variant has not been reported in the literature in individuals affected with WFS1-related conditions. ClinVar contains an entry for this variant (Variation ID: 2098593). Invitae Evidence Modeling of protein sequence and biophysical properties (such as structural, functional, and spatial information, amino acid conservation, physicochemical variation, residue mobility, and thermodynamic stability) indicates that this missense variant is not expected to disrupt WFS1 protein function with a negative predictive value of 80%. In summary, the available evidence is currently insufficient to determine the role of this variant in disease. Therefore, it has been classified as a Variant of Uncertain Significance.

NM_006005.3(WFS1):c.503C>A (p.Ser168Tyr)

Gene: WFS1 (wolframin ER transmembrane glycoprotein; plus strand). Cytogenetic location: 4p16.1.
Variant type: single nucleotide variant.
Coding change: c.503C>A on transcript NM_006005.3 (MANE Select); coding-DNA position 503, C replaced by A.
Protein change: p.Ser168Tyr; replaces serine 168 with tyrosine.
Molecular consequence: missense variant.
Genome position (GRCh38, 1-based): chr4:6,291,239, C>A. VCF-style: chr4-6291239-C-A. GRCh37 (hg19) VCF-style: chr4-6292966-C-A.
Other names: c.503C>A, p.Ser168Tyr (NM_001145853.1); short protein forms S168Y.
Identifiers: ClinVar variation 2098593 (VCV002098593.4), dbSNP rs2474174186, ClinGen allele CA356171918.